The following is an entry in ClinVar:

NM_130384.3(ATRIP):c.429A>C (p.Lys143Asn)

Genes: ATRIP (ATR interacting protein; plus strand), ATRIP-TREX1 (ATRIP-TREX1 readthrough; plus strand). Cytogenetic location: 3p21.31.
Variant type: single nucleotide variant.
Coding change: c.429A>C on transcript NM_130384.3 (MANE Select); coding-DNA position 429, A replaced by C.
Protein change: p.Lys143Asn; replaces lysine 143 with asparagine.
Molecular consequence: missense variant. On other transcripts: non-coding transcript variant (1).
Genome position (GRCh38, 1-based): chr3:48,451,776, A>C. VCF-style: chr3-48451776-A-C. GRCh37 (hg19) VCF-style: chr3-48493182-A-C.
Other names: c.48A>C, p.Lys16Asn (NM_001271022.2); c.150A>C, p.Lys50Asn (NM_001271023.2); c.429A>C, p.Lys143Asn (NM_032166.4); short protein forms K16N, K143N, K50N.
Identifiers: ClinVar variation 3975553 (VCV003975553.1).

ClinVar aggregate classification (germline): Uncertain significance (1 of 4 stars; one submission).

gnomAD v4.1: 27 of 1,607,650 alleles (0.0017%); highest among the groups gnomAD compares: Non-Finnish European, 0.0023%; no homozygotes.

Submission:

Ambry Genetics
Classification: Uncertain significance. Last evaluated: 2025-03-16. Review status: criteria provided, single submitter. Criteria: Ambry Variant Classification Scheme 2023. Collection method: clinical testing. Allele origin: germline.
Comment: The p.K143N variant (also known as c.429A>C), located in coding exon 3 of the ATRIP gene, results from an A to C substitution at nucleotide position 429. The lysine at codon 143 is replaced by asparagine, an amino acid with similar properties. This amino acid position is conserved. In addition, the in silico prediction for this alteration is inconclusive. Based on the available evidence, the clinical significance of this variant remains unclear.